The following is an entry in ClinVar:

ClinVar aggregate classification (germline): Uncertain significance. Review status: criteria provided, multiple submitters, no conflicts (2 of 4 stars). 2 submissions from 2 submitters: Uncertain significance (2). Last evaluated 2025-05-26.

Conditions:
Hereditary spastic paraplegia 53. Also called: Spastic paraplegia 53, autosomal recessive. Identifiers: Orphanet 319199, MedGen C3539494, MONDO:0013962, OMIM 614898.

Allele frequency attached by ClinVar (database versions not stated): gnomAD exomes below 0.00001 and 0.00001; gnomAD 0.00002 and 0.00003; TOPMed 0.00002.
gnomAD v4.1: 22 of 1,612,426 alleles (0.0014%); highest among the groups gnomAD compares: Non-Finnish European, 0.0016%; no homozygotes.

Submissions (2):

Ambry Genetics
Classification: Uncertain significance. Last evaluated: 2025-05-26. Review status: criteria provided, single submitter. Criteria: Ambry Variant Classification Scheme 2023. Collection method: clinical testing. Allele origin: germline.

Labcorp Genetics (formerly Invitae), Labcorp
Classification: Uncertain significance for Hereditary spastic paraplegia 53. Last evaluated: 2024-03-10. Review status: criteria provided, single submitter. Criteria: Invitae Variant Classification Sherloc (09022015). Collection method: clinical testing. Allele origin: germline.
Comment: This sequence change replaces aspartic acid, which is acidic and polar, with asparagine, which is neutral and polar, at codon 268 of the VPS37A protein (p.Asp268Asn). The frequency data for this variant in the population databases is considered unreliable, as metrics indicate poor data quality at this position in the gnomAD database. This variant has not been reported in the literature in individuals affected with VPS37A-related conditions. ClinVar contains an entry for this variant (Variation ID: 1523443). Advanced modeling of protein sequence and biophysical properties (such as structural, functional, and spatial information, amino acid conservation, physicochemical variation, residue mobility, and thermodynamic stability) has been performed at Invitae for this missense variant, however the output from this modeling did not meet the statistical confidence thresholds required to predict the impact of this variant on VPS37A protein function. In summary, the available evidence is currently insufficient to determine the role of this variant in disease. Therefore, it has been classified as a Variant of Uncertain Significance.

NM_152415.3(VPS37A):c.802G>A (p.Asp268Asn)

Gene: VPS37A (VPS37A subunit of ESCRT-I; plus strand). Cytogenetic location: 8p22.
Variant type: single nucleotide variant.
Coding change: c.802G>A on transcript NM_152415.3 (MANE Select); coding-DNA position 802, G replaced by A.
Protein change: p.Asp268Asn; replaces aspartic acid 268 with asparagine.
Molecular consequence: missense variant.
Genome position (GRCh38, 1-based): chr8:17,280,116, G>A. VCF-style: chr8-17280116-G-A. GRCh37 (hg19) VCF-style: chr8-17137625-G-A.
Other names: c.727G>A, p.Asp243Asn (NM_001145152.2); c.802G>A, p.Asp268Asn (NM_001363167.1, NM_001363173.2); c.532G>A, p.Asp178Asn (NM_001363168.1, NM_001363169.1, NM_001363170.1 and 2 more transcripts); c.802G>A (NM_152415.2); short protein forms D178N, D243N, D268N.
Identifiers: ClinVar variation 1523443 (VCV001523443.7), dbSNP rs574438273, ClinGen allele CA172953133.
Genomic context (GRCh38, chr8:17,280,116, plus strand): 5'-CAAGAGGAGGTATTACTAGAACAGTTTCTGACTTTGCCTCAACTAAAACAAATTATTACC[G>A]ACAAAGATGACTTAGTAAAAAGTATTGAGGAACTAGCAAGTATGTTTTCCCTCTCCTGAG-3'
Protein context (NP_689628.2, residues 258-278): TLPQLKQIIT[Asp268Asn]KDDLVKSIEE